The following is an entry in ClinVar:

NM_001369369.1(FOXN1):c.505_516del (p.Glu169_Leu172del)

Gene: FOXN1 (forkhead box N1; plus strand). Cytogenetic location: 17q11.2.
Variant type: Deletion.
Coding change: c.505_516del on transcript NM_001369369.1 (MANE Select); coding-DNA positions 505 to 516, 12 bases deleted (GAGGCCTTCCTG).
Protein change: p.Glu169_Leu172del.
Molecular consequence: inframe deletion.
Genome position (GRCh38, 1-based): chr17:28,524,884-28,524,895, GAGGCCTTCCTG deleted. VCF-style (leftmost placement, unchanged base first): chr17-28524883-CGAGGCCTTCCTG-C. GRCh37 (hg19) VCF-style: chr17-26851901-CGAGGCCTTCCTG-C.
Other names: c.505_516del, p.Glu169_Leu172del (NM_003593.3).
Identifiers: ClinVar variation 843825 (VCV000843825.4), dbSNP rs2069730776, ClinGen allele CA916082434.

ClinVar aggregate classification (germline): Uncertain significance (1 of 4 stars; one submission).

Conditions:
T-cell immunodeficiency, congenital alopecia, and nail dystrophy. Also called: Congenital alopecia and nail dystrophy associated with severe functional T-cell immunodeficiency; Pignata Guarino syndrome. Identifiers: Orphanet 169095, MedGen C1866426, MONDO:0011132, OMIM 601705.

Submission:

Labcorp Genetics (formerly Invitae), Labcorp
Classification: Uncertain significance for T-cell immunodeficiency, congenital alopecia, and nail dystrophy. Last evaluated: 2022-01-17. Review status: criteria provided, single submitter. Criteria: Invitae Variant Classification Sherloc (09022015). Collection method: clinical testing. Allele origin: germline.
Comment: This variant, c.505_516del, results in the deletion of 4 amino acid(s) of the FOXN1 protein (p.Glu169_Leu172del), but otherwise preserves the integrity of the reading frame. This variant is not present in population databases (gnomAD no frequency). This variant has not been reported in the literature in individuals affected with FOXN1-related conditions. ClinVar contains an entry for this variant (Variation ID: 843825). Experimental studies and prediction algorithms are not available or were not evaluated, and the functional significance of this variant is currently unknown. In summary, the available evidence is currently insufficient to determine the role of this variant in disease. Therefore, it has been classified as a Variant of Uncertain Significance.